The following is an entry in ClinVar:

ClinVar aggregate classification (germline): Uncertain significance (1 of 4 stars; one submission).

gnomAD v4.1: 3 of 1,614,040 alleles (0.00019%); highest among the groups gnomAD compares: African/African-American, 0.0013%; no homozygotes.

Submission:

Ambry Genetics
Classification: Uncertain significance. Last evaluated: 2025-05-14. Review status: criteria provided, single submitter. Criteria: Ambry Variant Classification Scheme 2023. Collection method: clinical testing. Allele origin: germline.
Comment: The p.L140W variant (also known as c.419T>G), located in coding exon 5 of the PKP4 gene, results from a T to G substitution at nucleotide position 419. The leucine at codon 140 is replaced by tryptophan, an amino acid with similar properties. This amino acid position is conserved. In addition, this alteration is predicted to be tolerated by in silico analysis. Based on the available evidence, the clinical significance of this variant remains unclear.

NM_003628.6(PKP4):c.419T>G (p.Leu140Trp)

Gene: PKP4 (plakophilin 4; plus strand). Cytogenetic location: 2q24.1.
Variant type: single nucleotide variant.
Coding change: c.419T>G on transcript NM_003628.6 (MANE Select); coding-DNA position 419, T replaced by G.
Protein change: p.Leu140Trp; replaces leucine 140 with tryptophan.
Molecular consequence: missense variant. On other transcripts: 5 prime UTR variant (1).
Genome position (GRCh38, 1-based): chr2:158,621,237, T>G. VCF-style: chr2-158621237-T-G. GRCh37 (hg19) VCF-style: chr2-159477749-T-G.
Other names: c.419T>G, p.Leu140Trp (NM_001005476.4, NM_001304969.3, NM_001304971.2 and 6 more transcripts); c.-531T>G (NM_001304970.3); c.413T>G, p.Leu138Trp (NM_001377222.1, NM_001377223.1, NM_001377224.1); short protein forms L140W, L138W.
Identifiers: ClinVar variation 3933368 (VCV003933368.1).
Genomic context (GRCh38, chr2:158,621,237, plus strand): 5'-AGCGAGTGTCAGAAGTGTGTATAATAAAGATATTTCTTGGTTTCATTCTTACAGGATCAT[T>G]GGGTAACTCAAGAAGTTCAACACAAATGAATTCTTATTCCGACAGTGGATACCAGGAAGC-3'
Protein context (NP_003619.2, residues 130-150): QTSLHESEGS[Leu140Trp]GNSRSSTQMN